The following is an entry in ClinVar:

NM_001378615.1(CC2D2A):c.2913C>A (p.Tyr971Ter)

Genes: CC2D2A (coiled-coil and C2 domain containing 2A; plus strand), FBXL5 (F-box and leucine rich repeat protein 5; minus strand). Cytogenetic location: 4p15.32.
Variant type: single nucleotide variant.
Coding change: c.2913C>A on transcript NM_001378615.1 (MANE Select); coding-DNA position 2913, C replaced by A.
Protein change: p.Tyr971Ter; replaces tyrosine 971 with a stop codon.
Molecular consequence: nonsense.
Genome position (GRCh38, 1-based): chr4:15,559,248, C>A. VCF-style: chr4-15559248-C-A. GRCh37 (hg19) VCF-style: chr4-15560871-C-A.
Other names: c.2913C>A, p.Tyr971Ter (NM_001080522.2); c.2766C>A, p.Tyr922Ter (NM_001378617.1); short protein forms Y922*, Y971*.
Identifiers: ClinVar variation 4993403 (VCV004993403.2).

ClinVar aggregate classification (germline): Pathogenic/Likely pathogenic. Review status: criteria provided, multiple submitters, no conflicts (2 of 4 stars). 2 submissions from 2 submitters: Pathogenic (1); Likely pathogenic (1). Last evaluated 2026-07-20.

Conditions:
Joubert syndrome and related disorders. Identifiers: Orphanet 140874, MedGen C5679612, MONDO:0015369.
CC2D2A-related disorder. Also called: CC2D2A-related condition; CC2D2A-related disorders. Identifiers: MedGen CN239313.

gnomAD v4.1: 2 of 1,547,472 alleles (0.00013%); highest among the groups gnomAD compares: Non-Finnish European, 0.00017%; no homozygotes.

Submissions (2):

PreventionGenetics, part of Exact Sciences
Classification: Likely pathogenic for CC2D2A-related condition. Last evaluated: 2026-07-20. Review status: criteria provided, single submitter. Criteria: ACMG Guidelines, 2015. Collection method: clinical testing. Allele origin: germline.
Comment: The CC2D2A c.2913C>A variant is predicted to result in premature protein termination (p.Tyr971*). To our knowledge, this variant has not been reported in the literature in individuals with CC2D2A-related disorders. This variant is reported in 0.0065% of alleles in individuals of European (Non-Finnish) descent in gnomAD. Nonsense variants in CC2D2A are expected to be pathogenic. This variant is interpreted as likely pathogenic.

Myriad Genetics, Inc.
Classification: Pathogenic for Joubert syndrome and related disorders. Last evaluated: 2024-10-09. Review status: criteria provided, single submitter. Criteria: Myriad Autosomal Dominant, Autosomal Recessive and X-Linked Classification Criteria (2023). Collection method: clinical testing. Allele origin: unknown.
Comment: NM_001080522.2(CC2D2A):c.2913C>A(Y971*) is expected to be pathogenic in the context of CC2D2A-related disorders. This variant is predicted to lead to an abnormal or absent protein product due to the creation of a premature termination codon in CC2D2A, a gene where loss-of-function variants are known to be pathogenic. Please note: this variant was assessed in the context of healthy population screening.